The following is an entry in ClinVar:

NM_001903.5(CTNNA1):c.1527T>G (p.Asp509Glu)

Gene: CTNNA1 (catenin alpha 1; plus strand). Cytogenetic location: 5q31.2.
Variant type: single nucleotide variant.
Coding change: c.1527T>G on transcript NM_001903.5 (MANE Select); coding-DNA position 1527, T replaced by G.
Protein change: p.Asp509Glu; replaces aspartic acid 509 with glutamic acid.
Molecular consequence: missense variant.
Genome position (GRCh38, 1-based): chr5:138,917,879, T>G. VCF-style: chr5-138917879-T-G. GRCh37 (hg19) VCF-style: chr5-138253568-T-G.
Other names: c.1527T>G, p.Asp509Glu (NM_001290307.3, NM_001323982.2, NM_001323983.1 and 2 more transcripts); c.1218T>G, p.Asp406Glu (NM_001290309.3); c.1158T>G, p.Asp386Glu (NM_001290310.3); c.417T>G, p.Asp139Glu (NM_001290312.1, NM_001323987.1, NM_001323988.1 and 17 more transcripts); c.1434T>G, p.Asp478Glu (NM_001323986.2); c.78T>G, p.Asp26Glu (NM_001324006.1, NM_001324007.1, NM_001324008.1 and 2 more transcripts); c.324T>G, p.Asp108Glu (NM_001324011.1); c.174T>G, p.Asp58Glu (NM_001324012.1, NM_001324013.1); short protein forms D108E, D386E, D406E, D139E, D478E, D26E, D509E, D58E.
Identifiers: ClinVar variation 2825393 (VCV002825393.3), dbSNP rs2533591741, ClinGen allele CA361137387.

ClinVar aggregate classification (germline): Uncertain significance (1 of 4 stars; one submission).

Submission:

Labcorp Genetics (formerly Invitae), Labcorp
Classification: Uncertain significance. Last evaluated: 2022-12-31. Review status: criteria provided, single submitter. Criteria: Invitae Variant Classification Sherloc (09022015). Collection method: clinical testing. Allele origin: germline.
Comment: This variant is not present in population databases (gnomAD no frequency). This sequence change replaces aspartic acid, which is acidic and polar, with glutamic acid, which is acidic and polar, at codon 509 of the CTNNA1 protein (p.Asp509Glu). This variant has not been reported in the literature in individuals affected with CTNNA1-related conditions. Advanced modeling of protein sequence and biophysical properties (such as structural, functional, and spatial information, amino acid conservation, physicochemical variation, residue mobility, and thermodynamic stability) performed at Invitae indicates that this missense variant is not expected to disrupt CTNNA1 protein function. In summary, the available evidence is currently insufficient to determine the role of this variant in disease. Therefore, it has been classified as a Variant of Uncertain Significance.